The following is an entry in ClinVar:

ClinVar aggregate classification (germline): Uncertain significance (1 of 4 stars; one submission).

Submission:

CeGaT Center for Human Genetics Tuebingen
Classification: Uncertain significance. Last evaluated: 2026-06-01. Review status: criteria provided, single submitter. Criteria: CeGaT Center For Human Genetics Tuebingen Variant Classification Criteria Version 2. Collection method: clinical testing. Allele origin: germline. Affected: yes. Observed: 1 variant allele.
Comment: OTOG: PM2

NM_001292063.2(OTOG):c.4805C>T (p.Thr1602Ile)

Gene: OTOG (otogelin; plus strand). Cytogenetic location: 11p15.1.
Variant type: single nucleotide variant.
Coding change: c.4805C>T on transcript NM_001292063.2 (MANE Select); coding-DNA position 4805, C replaced by T.
Protein change: p.Thr1602Ile; replaces threonine 1602 with isoleucine.
Molecular consequence: missense variant.
Genome position (GRCh38, 1-based): chr11:17,610,105, C>T. VCF-style: chr11-17610105-C-T. GRCh37 (hg19) VCF-style: chr11-17631652-C-T.
Other names: c.4841C>T, p.Thr1614Ile (NM_001277269.2); short protein forms T1602I, T1614I.
Identifiers: ClinVar variation 4874007 (VCV004874007.2).